The following is an entry in ClinVar:

ClinVar aggregate classification (germline): Uncertain significance (1 of 4 stars; one submission).

Submission:

CeGaT Center for Human Genetics Tuebingen
Classification: Uncertain significance. Last evaluated: 2026-02-01. Review status: criteria provided, single submitter. Criteria: CeGaT Center For Human Genetics Tuebingen Variant Classification Criteria Version 2. Collection method: clinical testing. Allele origin: germline. Affected: yes. Observed: 1 variant allele.
Comment: COL9A2: PM1, PM2

NM_001852.4(COL9A2):c.883G>A (p.Gly295Ser)

Gene: COL9A2 (collagen type IX alpha 2 chain; minus strand). Cytogenetic location: 1p34.2.
Variant type: single nucleotide variant.
Coding change: c.883G>A on transcript NM_001852.4 (MANE Select); coding-DNA position 883, G replaced by A.
Protein change: p.Gly295Ser; replaces glycine 295 with serine.
Molecular consequence: missense variant.
Genome position (GRCh38, 1-based): chr1:40,308,209, C>T on the plus strand (G>A on the coding strand, the complement: COL9A2 is on the minus strand). VCF-style: chr1-40308209-C-T. GRCh37 (hg19) VCF-style: chr1-40773881-C-T.
Other names: short protein forms G295S.
Identifiers: ClinVar variation 4823391 (VCV004823391.4).